The following is an entry in ClinVar:

NM_001184.4(ATR):c.2990T>C (p.Val997Ala)

Gene: ATR (ATR checkpoint kinase; minus strand). Cytogenetic location: 3q23.
Variant type: single nucleotide variant.
Coding change: c.2990T>C on transcript NM_001184.4 (MANE Select); coding-DNA position 2990, T replaced by C.
Protein change: p.Val997Ala; replaces valine 997 with alanine.
Molecular consequence: missense variant.
Genome position (GRCh38, 1-based): chr3:142,549,660, A>G on the plus strand (T>C on the coding strand, the complement: ATR is on the minus strand). VCF-style: chr3-142549660-A-G. GRCh37 (hg19) VCF-style: chr3-142268502-A-G.
Other names: c.2798T>C, p.Val933Ala (NM_001354579.2); short protein forms V997A, V933A.
Identifiers: ClinVar variation 2567814 (VCV002567814.2), dbSNP rs2473364381, ClinGen allele CA354812572.

ClinVar aggregate classification (germline): Uncertain significance (1 of 4 stars; one submission).

Conditions:
Inborn genetic diseases. Identifiers: MedGen C0950123, MeSH D030342.

Submission:

Ambry Genetics
Classification: Uncertain significance for Inborn genetic diseases. Last evaluated: 2023-04-22. Review status: criteria provided, single submitter. Criteria: Ambry Variant Classification Scheme 2023. Collection method: clinical testing. Allele origin: germline.
Comment: The p.V997A variant (also known as c.2990T>C), located in coding exon 15 of the ATR gene, results from a T to C substitution at nucleotide position 2990. The valine at codon 997 is replaced by alanine, an amino acid with similar properties. This amino acid position is conserved. In addition, the in silico prediction for this alteration is inconclusive. Since supporting evidence is limited at this time, the clinical significance of this alteration remains unclear.